The following is an entry in ClinVar:

ClinVar aggregate classification (germline): Uncertain significance. Review status: criteria provided, multiple submitters, no conflicts (2 of 4 stars). 4 submissions from 4 submitters: Uncertain significance (4). Last evaluated 2025-11-10.

Conditions:
Inborn genetic diseases. Identifiers: MedGen C0950123, MeSH D030342.
Pulmonary fibrosis and/or bone marrow failure, Telomere-related, 3. Also called: PULMONARY FIBROSIS AND/OR BONE MARROW FAILURE SYNDROME, TELOMERE-RELATED, 3. Identifiers: Orphanet 2032, MedGen C4225346, MONDO:0014613, OMIM 616373.
Dyskeratosis congenita, autosomal recessive 5 (DKCB5). Identifiers: MedGen C3554656, MONDO:0014076, OMIM 615190.

Submissions (4):

Labcorp Genetics (formerly Invitae), Labcorp
Classification: Uncertain significance for Dyskeratosis congenita, autosomal recessive 5; Pulmonary fibrosis and/or bone marrow failure, Telomere-related, 3. Last evaluated: 2025-11-10. Review status: criteria provided, single submitter. Criteria: Invitae Variant Classification Sherloc (09022015). Collection method: clinical testing. Allele origin: germline.
Comment: This sequence change replaces arginine, which is basic and polar, with tryptophan, which is neutral and slightly polar, at codon 127 of the RTEL1 protein (p.Arg127Trp). This variant is present in population databases (no rsID available, gnomAD 0.006%). This variant has not been reported in the literature in individuals affected with RTEL1-related conditions. ClinVar contains an entry for this variant (Variation ID: 3435969). An algorithm developed to predict the effect of missense changes on protein structure and function (PolyPhen-2) suggests that this variant is likely to be disruptive. In summary, the available evidence is currently insufficient to determine the role of this variant in disease. Therefore, it has been classified as a Variant of Uncertain Significance.

Ambry Genetics
Classification: Uncertain significance for Inborn genetic diseases. Last evaluated: 2024-11-24. Review status: criteria provided, single submitter. Criteria: Ambry Variant Classification Scheme 2023. Collection method: clinical testing. Allele origin: germline.
Comment: The p.R127W variant (also known as c.379C>T), located in coding exon 3 of the RTEL1 gene, results from a C to T substitution at nucleotide position 379. The arginine at codon 127 is replaced by tryptophan, an amino acid with dissimilar properties. This amino acid position is conserved. In addition, the in silico prediction for this alteration is inconclusive. Based on the available evidence, the clinical significance of this variant remains unclear.

Fulgent Genetics
Classification: Uncertain significance for Dyskeratosis congenita, autosomal recessive 5; Pulmonary fibrosis and/or bone marrow failure, Telomere-related, 3. Last evaluated: 2024-04-19. Review status: criteria provided, single submitter. Criteria: ACMG Guidelines, 2015. Collection method: clinical testing. Allele origin: germline.

Blueprint Genetics
Classification: Uncertain significance. Last evaluated: 2020-03-06. Review status: criteria provided, single submitter. Criteria: ACMG Guidelines, 2015. Collection method: clinical testing. Allele origin: germline.

NM_001283009.2(RTEL1):c.379C>T (p.Arg127Trp)

Genes: RTEL1 (regulator of telomere elongation helicase 1; plus strand), RTEL1-TNFRSF6B (RTEL1-TNFRSF6B readthrough (NMD candidate); plus strand). Cytogenetic location: 20q13.33.
Variant type: single nucleotide variant.
Coding change: c.379C>T on transcript NM_001283009.2 (MANE Select); coding-DNA position 379, C replaced by T.
Protein change: p.Arg127Trp; replaces arginine 127 with tryptophan.
Molecular consequence: missense variant. On other transcripts: non-coding transcript variant (1), 5 prime UTR variant (1).
Genome position (GRCh38, 1-based): chr20:63,661,927, C>T. VCF-style: chr20-63661927-C-T. GRCh37 (hg19) VCF-style: chr20-62293280-C-T.
Other names: c.-291C>T (NM_001283010.1); c.379C>T, p.Arg127Trp (NM_016434.4, NM_032957.5); short protein forms R127W.
Identifiers: ClinVar variation 3435969 (VCV003435969.5).